The following is an entry in ClinVar:

NM_000113.3(TOR1A):c.453_458del (p.150QL[1])

Gene: TOR1A (torsin family 1 member A; minus strand). Cytogenetic location: 9q34.11.
Variant type: Deletion.
Coding change: c.453_458del on transcript NM_000113.3 (MANE Select); coding-DNA positions 453 to 458, 6 bases deleted (ACAGTT; older notation c.453_458delACAGTT).
Protein change: p.150QL[1].
Molecular consequence: inframe deletion.
Genome position (GRCh38, 1-based): chr9:129,818,907-129,818,912, AACTGT deleted on the plus strand (ACAGTT on the coding strand, the reverse complement: TOR1A is on the minus strand); deleting any 6 consecutive bases within chr9:129,818,907-129,818,917 gives the same sequence; the c. name uses the placement nearest the transcript's 3' end. VCF-style (leftmost placement, unchanged base first): chr9-129818906-CAACTGT-C. GRCh37 (hg19) VCF-style: chr9-132581185-CAACTGT-C.
Identifiers: ClinVar variation 1879744 (VCV001879744.29), dbSNP rs1248512170, ClinGen allele CA860378944.

ClinVar aggregate classification (germline): Uncertain significance (1 of 4 stars; one submission).

Submission:

CeGaT Center for Human Genetics Tuebingen
Classification: Uncertain significance. Last evaluated: 2022-10-01. Review status: criteria provided, single submitter. Criteria: CeGaT Center For Human Genetics Tuebingen Variant Classification Criteria Version 2. Collection method: clinical testing. Allele origin: germline. Affected: yes. Observed: 1 variant allele.
Comment: TOR1A: PM2, PM4:Supporting